The following is an entry in ClinVar:

ClinVar aggregate classification (germline): Pathogenic/Likely pathogenic. Review status: criteria provided, multiple submitters, no conflicts (2 of 4 stars). 2 submissions from 2 submitters: Pathogenic (1); Likely pathogenic (1). Last evaluated 2025-12-11.

Conditions:
CSF1R-related disorder. Also called: CSF1R-related condition. Identifiers: MedGen CN379780, MONDO:0100632.

Allele frequency attached by ClinVar (database versions not stated): gnomAD exomes below 0.00001; ExAC 0.00001.
gnomAD v4.1: 3 of 1,611,516 alleles (0.00019%); highest among the groups gnomAD compares: Non-Finnish European, 0.000085%; no homozygotes.

Submissions (2):

Labcorp Genetics (formerly Invitae), Labcorp
Classification: Pathogenic. Last evaluated: 2025-12-11. Review status: criteria provided, single submitter. Criteria: Invitae Variant Classification Sherloc (09022015). Collection method: clinical testing. Allele origin: germline.
Comment: This sequence change creates a premature translational stop signal (p.Gln642*) in the CSF1R gene. It is expected to result in an absent or disrupted protein product. Loss-of-function variants in CSF1R are known to be pathogenic (PMID: 22046273, 24120500, 24145216, 24336230, 30982608, 30982609). The frequency data for this variant in the population databases is considered unreliable, as metrics indicate poor data quality at this position in the gnomAD database. This premature translational stop signal has been observed in individual(s) with CSF1R-related conditions (PMID: 37839910). ClinVar contains an entry for this variant (Variation ID: 2194866). For these reasons, this variant has been classified as Pathogenic.

Blueprint Genetics
Classification: Likely pathogenic for CSF1R-related disorders. Last evaluated: 2020-12-31. Review status: criteria provided, single submitter. Criteria: ACMG Guidelines, 2015. Collection method: clinical testing. Allele origin: germline. Affected: yes. Observed: 1 variant allele.

Literature cited by the submitters: PubMed 22046273 (cited by Labcorp Genetics (formerly Invitae), Labcorp); PubMed 24120500 (cited by Labcorp Genetics (formerly Invitae), Labcorp); PubMed 24145216 (cited by Labcorp Genetics (formerly Invitae), Labcorp); PubMed 24336230 (cited by Labcorp Genetics (formerly Invitae), Labcorp); PubMed 30982608 (cited by Labcorp Genetics (formerly Invitae), Labcorp); PubMed 30982609 (cited by Labcorp Genetics (formerly Invitae), Labcorp); PubMed 37839910 (cited by Labcorp Genetics (formerly Invitae), Labcorp).

NM_001288705.3(CSF1R):c.1924C>T (p.Gln642Ter)

Gene: CSF1R (colony stimulating factor 1 receptor; minus strand). Cytogenetic location: 5q32.
Variant type: single nucleotide variant.
Coding change: c.1924C>T on transcript NM_001288705.3 (MANE Select); coding-DNA position 1924, C replaced by T.
Protein change: p.Gln642Ter; replaces glutamine 642 with a stop codon.
Molecular consequence: nonsense. On other transcripts: non-coding transcript variant (2).
Genome position (GRCh38, 1-based): chr5:150,060,907, G>A on the plus strand (C>T on the coding strand, the complement: CSF1R is on the minus strand). VCF-style: chr5-150060907-G-A. GRCh37 (hg19) VCF-style: chr5-149440470-G-A.
Other names: c.1924C>T, p.Gln642Ter (NM_001349736.2, NM_001375320.1, NM_005211.4); c.1480C>T, p.Gln494Ter (NM_001375321.1); short protein forms Q494*, Q642*.
Identifiers: ClinVar variation 2194866 (VCV002194866.5), dbSNP rs763029749, ClinGen allele CA3506637.